The following is an entry in ClinVar:

NM_001365999.1(SZT2):c.9629G>A (p.Arg3210His)

Genes: SZT2 (SZT2 subunit of KICSTOR complex; plus strand), SZT2-AS1 (SZT2 antisense RNA 1; minus strand). Cytogenetic location: 1p34.2.
Variant type: single nucleotide variant.
Coding change: c.9629G>A on transcript NM_001365999.1 (MANE Select); coding-DNA position 9629, G replaced by A.
Protein change: p.Arg3210His; replaces arginine 3210 with histidine.
Molecular consequence: missense variant. On other transcripts: non-coding transcript variant (1).
Genome position (GRCh38, 1-based): chr1:43,448,144, G>A. VCF-style: chr1-43448144-G-A. GRCh37 (hg19) VCF-style: chr1-43913815-G-A.
Other names: c.9458G>A, p.Arg3153His (NM_015284.4); short protein forms R3210H, R3153H.
Identifiers: ClinVar variation 800214 (VCV000800214.26), dbSNP rs371193436, ClinGen allele CA810981.
Genomic context (GRCh38, chr1:43,448,144, plus strand): 5'-AGTTCTTCGTGGTGCTCACCAGCCAGCGAGAGCTCTTCCCCAGGCTCACTGCTGACATGC[G>A]CCGCTTCCGGAAGCCACCCAGACTGCCCCCTGAGCCAGAGGCTCCTGGGAGTTCAGCTGG-3'
Protein context (NP_001352928.1, residues 3200-3220): ELFPRLTADM[Arg3210His]RFRKPPRLPP

ClinVar aggregate classification (germline): Conflicting classifications of pathogenicity. Review status: criteria provided, conflicting classifications (1 of 4 stars). 8 submissions from 8 submitters: Uncertain significance (5); Likely benign (3). Last evaluated 2026-05-18.

Conditions:
Developmental and epileptic encephalopathy, 18 (DEE18). Also called: Early infantile epileptic encephalopathy 18. Identifiers: Orphanet 369894, MedGen C3809624, MONDO:0014201, OMIM 615476.
Inborn genetic diseases. Identifiers: MedGen C0950123, MeSH D030342.

Allele frequency attached by ClinVar (database versions not stated): gnomAD 0.00004 and 0.00013; TOPMed 0.00004; ESP Exome Variant Server 0.00015; gnomAD exomes 0.00018 and 0.00028; ExAC 0.00028; 1000 Genomes Project 30x 0.00031; 1000 Genomes Project 0.00040.

Submissions (8):

Ambry Genetics
Classification: Likely benign for Inborn genetic diseases. Last evaluated: 2026-05-18. Review status: criteria provided, single submitter. Criteria: Ambry Variant Classification Scheme 2023. Collection method: clinical testing. Allele origin: germline.

Labcorp Genetics (formerly Invitae), Labcorp
Classification: Likely benign. Last evaluated: 2025-11-12. Review status: criteria provided, single submitter. Criteria: Invitae Variant Classification Sherloc (09022015). Collection method: clinical testing. Allele origin: germline.

Blueprint Genetics
Classification: Uncertain significance. Last evaluated: 2024-06-13. Review status: criteria provided, single submitter. Criteria: ACMG Guidelines, 2015. Collection method: clinical testing. Allele origin: germline.

Neuberg Centre For Genomic Medicine, NCGM
Classification: Uncertain significance for Developmental and epileptic encephalopathy, 18. Last evaluated: 2023-05-20. Review status: criteria provided, single submitter. Criteria: ACMG Guidelines, 2015. Collection method: clinical testing. Allele origin: germline. Inheritance: Autosomal recessive inheritance. Affected: yes.
Comment: The missense variant c.9629G>A (p.Arg3210His) in the SZT2 gene has not been reported previously as a pathogenic variant nor as a benign variant, to our knowledge. This variant is reported with the allele frequency (0.02%) in the gnomAD Exomes and absent in 1000 Genomes. This variant has been reported to the ClinVar database as Uncertain Significance/ Likely benign. However, no details are available for independent assessment. The amino acid Arginine at position 3210 is changed to a Histidine changing protein sequence and it might alter its composition and physico-chemical properties. Multiple lines of computational evidence (Polyphen - Damaging, SIFT - Damaging and MutationTaster - Disease causing) predict a damaging effect on protein structure and function for this variant. The amino acid change p.Arg3210His in SZT2 is predicted as conserved by GERP++ and PhyloP across 100 vertebrates. For these reasons, this variant has been classified as Uncertain Significance.

Genome-Nilou Lab
Classification: Likely benign for Developmental and epileptic encephalopathy, 18. Last evaluated: 2023-04-11. Review status: criteria provided, single submitter. Criteria: ACMG Guidelines, 2015. Collection method: clinical testing. Allele origin: germline. Affected: no.

Revvity Omics, Revvity
Classification: Uncertain significance for Developmental and epileptic encephalopathy, 18. Last evaluated: 2022-07-12. Review status: criteria provided, single submitter. Criteria: ACMG Guidelines, 2015. Collection method: clinical testing. Allele origin: germline.

Diagnostics Services (NGS), CSIR - Centre For Cellular And Molecular Biology
Classification: Uncertain significance for Developmental and epileptic encephalopathy, 18. Last evaluated: 2022-03-17. Review status: criteria provided, single submitter. Criteria: ACMG Guidelines, 2015. Collection method: clinical testing. Allele origin: unknown. Inheritance: Autosomal recessive inheritance. Affected: yes. Observed: 1 variant allele, 1 heterozygote.
Comment: The c.9458G>A variant is present in publicly available population databases like 1000 Genomes, Exome Variant Server (EVS), Exome Aggregation Consortium (ExAC), Genome Aggregation Database (gnomAD) and Indian Exome Database at a low frequency. The variant was previously in reported to ClinVar (Accession: VCV000800214.5), with conflicting interpretations of pathogenicity (likely benign/uncertain significance). In-silico pathogenicity prediction programs like PolyPhen-2, MutationTaster2, CADD etc. predicted this variant to be likely deleterious, however these predictions were not confirmed by any published functional studies.

GeneDx
Classification: Uncertain significance. Last evaluated: 2019-07-02. Review status: criteria provided, single submitter. Criteria: GeneDx Variant Classification Process June 2021. Collection method: clinical testing. Allele origin: germline. Affected: yes.
Comment: In silico analysis, which includes protein predictors and evolutionary conservation, supports that this variant does not alter protein structure/function; Has not been previously published as pathogenic or benign to our knowledge